The following is an entry in ClinVar:

ClinVar aggregate classification (germline): Uncertain significance (1 of 4 stars; one submission).

Submission:

Ambry Genetics
Classification: Uncertain significance. Last evaluated: 2022-03-25. Review status: criteria provided, single submitter. Criteria: Ambry Variant Classification Scheme 2023. Collection method: clinical testing. Allele origin: germline.
Comment: The p.H274Y variant (also known as c.820C>T), located in coding exon 9 of the BUB1 gene, results from a C to T substitution at nucleotide position 820. The histidine at codon 274 is replaced by tyrosine, an amino acid with similar properties. This amino acid position is conserved. In addition, this alteration is predicted to be tolerated by in silico analysis. Since supporting evidence is limited at this time, the clinical significance of this alteration remains unclear.

NM_004336.5(BUB1):c.820C>T (p.His274Tyr)

Gene: BUB1 (BUB1 mitotic checkpoint serine/threonine kinase; minus strand). Cytogenetic location: 2q13.
Variant type: single nucleotide variant.
Coding change: c.820C>T on transcript NM_004336.5 (MANE Select); coding-DNA position 820, C replaced by T.
Protein change: p.His274Tyr; replaces histidine 274 with tyrosine.
Molecular consequence: missense variant.
Genome position (GRCh38, 1-based): chr2:110,666,400, G>A on the plus strand (C>T on the coding strand, the complement: BUB1 is on the minus strand). VCF-style: chr2-110666400-G-A. GRCh37 (hg19) VCF-style: chr2-111423977-G-A.
Other names: c.760C>T, p.His254Tyr (NM_001278616.2); c.820C>T, p.His274Tyr (NM_001278617.2); short protein forms H274Y, H254Y.
Identifiers: ClinVar variation 1762471 (VCV001762471.2), dbSNP rs2468026119, ClinGen allele CA348216999.